The following is an entry in ClinVar:

NM_001876.4(CPT1A):c.1575+1G>T

Gene: CPT1A (carnitine palmitoyltransferase 1A; minus strand). Cytogenetic location: 11q13.3.
Variant type: single nucleotide variant.
Coding change: c.1575+1G>T on transcript NM_001876.4 (MANE Select); the canonical splice donor site of the intron after coding-DNA position 1575, G replaced by T.
Molecular consequence: splice donor variant.
Genome position (GRCh38, 1-based): chr11:68,775,315, C>A on the plus strand (G>T on the coding strand, the complement: CPT1A is on the minus strand). VCF-style: chr11-68775315-C-A. GRCh37 (hg19) VCF-style: chr11-68542783-C-A.
Other names: c.1575+1G>T (NM_001031847.3).
Identifiers: ClinVar variation 2680931 (VCV002680931.4), dbSNP rs1282293820, ClinGen allele CA381629688.
Genomic context (GRCh38, chr11:68,775,315, plus strand): 5'-AAGACTTCAAATGTGTTTCCCATCCCAGGTAAGTAACAATGGTTGGATAATCCGGACTTA[C>A]TTCCCCCGGGATGTCCCACTGCAGCCTGGTGGGGTACGGAATGTTCGGATTGATGTCGCC-3'

ClinVar aggregate classification (germline): Likely pathogenic. Review status: criteria provided, multiple submitters, no conflicts (2 of 4 stars). 2 submissions from 2 submitters: Likely pathogenic (2). Last evaluated 2023-06-27.

Conditions:
Carnitine palmitoyl transferase 1A deficiency. Also called: Carnitine palmitoyltransferase type I deficiency; Carnitine palmitoyltransferase 1A deficiency; CPT I DEFICIENCY; CPT DEFICIENCY, HEPATIC, TYPE I; CPT deficiency, hepatic, type IA. Identifiers: Orphanet 156, MedGen C1829703, MONDO:0009705, OMIM 255120.

Allele frequency attached by ClinVar (database versions not stated): TOPMed below 0.00001.

Submissions (2):

Labcorp Genetics (formerly Invitae), Labcorp
Classification: Likely pathogenic for Carnitine palmitoyl transferase 1A deficiency. Last evaluated: 2023-06-27. Review status: criteria provided, single submitter. Criteria: Invitae Variant Classification Sherloc (09022015). Collection method: clinical testing. Allele origin: germline.
Comment: In summary, the currently available evidence indicates that the variant is pathogenic, but additional data are needed to prove that conclusively. Therefore, this variant has been classified as Likely Pathogenic. Algorithms developed to predict the effect of sequence changes on RNA splicing suggest that this variant may disrupt the consensus splice site. This variant has not been reported in the literature in individuals affected with CPT1A-related conditions. This variant is present in population databases (no rsID available, gnomAD 0.007%). This sequence change affects a donor splice site in intron 13 of the CPT1A gene. It is expected to disrupt RNA splicing. Variants that disrupt the donor or acceptor splice site typically lead to a loss of protein function (PMID: 16199547), and loss-of-function variants in CPT1A are known to be pathogenic (PMID: 16169268).

Baylor Genetics
Classification: Likely pathogenic for Carnitine palmitoyl transferase 1A deficiency. Last evaluated: 2022-12-05. Review status: criteria provided, single submitter. Criteria: ACMG Guidelines, 2015. Collection method: clinical testing. Allele origin: unknown.

Literature cited by the submitters: PubMed 16199547 (cited by Labcorp Genetics (formerly Invitae), Labcorp); PubMed 16169268 (cited by Labcorp Genetics (formerly Invitae), Labcorp).